The following is an entry in ClinVar:

NM_006214.4(PHYH):c.463C>A (p.His155Asn)

Gene: PHYH (phytanoyl-CoA 2-hydroxylase; minus strand). Cytogenetic location: 10p13.
Variant type: single nucleotide variant.
Coding change: c.463C>A on transcript NM_006214.4 (MANE Select); coding-DNA position 463, C replaced by A.
Protein change: p.His155Asn; replaces histidine 155 with asparagine.
Molecular consequence: missense variant. On other transcripts: intron variant (1).
Genome position (GRCh38, 1-based): chr10:13,291,864, G>T on the plus strand (C>A on the coding strand, the complement: PHYH is on the minus strand). VCF-style: chr10-13291864-G-T. GRCh37 (hg19) VCF-style: chr10-13333864-G-T.
Other names: c.163C>A, p.His55Asn (NM_001037537.2, NM_001323080.2, NM_001323084.2); c.463C>A, p.His155Asn (NM_001323082.2); c.414+2564C>A (NM_001323083.2); short protein forms H55N, H155N.
Identifiers: ClinVar variation 2170092 (VCV002170092.1), dbSNP rs2538650745, ClinGen allele CA376036297.

ClinVar aggregate classification (germline): Uncertain significance (1 of 4 stars; one submission).

Submission:

Labcorp Genetics (formerly Invitae), Labcorp
Classification: Uncertain significance. Last evaluated: 2022-03-18. Review status: criteria provided, single submitter. Criteria: Invitae Variant Classification Sherloc (09022015). Collection method: clinical testing. Allele origin: germline.
Comment: This sequence change replaces histidine, which is basic and polar, with asparagine, which is neutral and polar, at codon 155 of the PHYH protein (p.His155Asn). This variant is not present in population databases (gnomAD no frequency). This variant has not been reported in the literature in individuals affected with PHYH-related conditions. Algorithms developed to predict the effect of missense changes on protein structure and function are either unavailable or do not agree on the potential impact of this missense change (SIFT: "Tolerated"; PolyPhen-2: "Possibly Damaging"; Align-GVGD: "Class C0"). In summary, the available evidence is currently insufficient to determine the role of this variant in disease. Therefore, it has been classified as a Variant of Uncertain Significance.